The following is an entry in ClinVar:

ClinVar aggregate classification (germline): Uncertain significance (1 of 4 stars; one submission).

Conditions:
Charcot-Marie-Tooth disease axonal type 2Z. Also called: CHARCOT-MARIE-TOOTH DISEASE, AXONAL, AUTOSOMAL DOMINANT, TYPE 2Z; CHARCOT-MARIE-TOOTH NEUROPATHY, TYPE 2Z. Identifiers: Orphanet 466768, MedGen C5569025, MONDO:0014736, OMIM 616688.

Submission:

Labcorp Genetics (formerly Invitae), Labcorp
Classification: Uncertain significance for Charcot-Marie-Tooth disease axonal type 2Z. Last evaluated: 2023-02-22. Review status: criteria provided, single submitter. Criteria: Invitae Variant Classification Sherloc (09022015). Collection method: clinical testing. Allele origin: germline.
Comment: In summary, the available evidence is currently insufficient to determine the role of this variant in disease. Therefore, it has been classified as a Variant of Uncertain Significance. Advanced modeling of protein sequence and biophysical properties (such as structural, functional, and spatial information, amino acid conservation, physicochemical variation, residue mobility, and thermodynamic stability) has been performed at Invitae for this missense variant, however the output from this modeling did not meet the statistical confidence thresholds required to predict the impact of this variant on MORC2 protein function. This variant has not been reported in the literature in individuals affected with MORC2-related conditions. This variant is not present in population databases (gnomAD no frequency). This sequence change replaces methionine, which is neutral and non-polar, with valine, which is neutral and non-polar, at codon 331 of the MORC2 protein (p.Met331Val).

NM_001303256.3(MORC2):c.991A>G (p.Met331Val)

Gene: MORC2 (MORC family CW-type zinc finger 2; minus strand). Cytogenetic location: 22q12.2.
Variant type: single nucleotide variant.
Coding change: c.991A>G on transcript NM_001303256.3 (MANE Select); coding-DNA position 991, A replaced by G.
Protein change: p.Met331Val; replaces methionine 331 with valine.
Molecular consequence: missense variant.
Genome position (GRCh38, 1-based): chr22:30,939,703, T>C on the plus strand (A>G on the coding strand, the complement: MORC2 is on the minus strand). VCF-style: chr22-30939703-T-C. GRCh37 (hg19) VCF-style: chr22-31335690-T-C.
Other names: c.991A>G, p.Met331Val (NM_001303257.2); c.805A>G, p.Met269Val (NM_014941.3); short protein forms M269V, M331V.
Identifiers: ClinVar variation 2839811 (VCV002839811.3), dbSNP rs2517595756, ClinGen allele CA411239896.